The following is an entry in ClinVar:

ClinVar aggregate classification (germline): Likely pathogenic (1 of 4 stars; one submission).

Conditions:
Retinitis pigmentosa 25 (RP25). Identifiers: Orphanet 791, MedGen C1864446, MONDO:0011272, OMIM 602772.

Submission:

Natera, Inc.
Classification: Likely pathogenic for Retinitis pigmentosa type 25. Last evaluated: 2024-07-10. Review status: criteria provided, single submitter. Criteria: Natera Variant Classification Schema (03/2026). Collection method: clinical testing. Allele origin: germline.
Comment: The c.2626_2641+14del variant in EYS is a deletion affecting a canonical splice donor site and part of an exon. This variant is expected to result in nonsense mediated decay, truncation, or a dysfunctional protein product. This variant is rare in the general population with a frequency below the threshold expected for the associated phenotype(s). Given the available evidence, this variant is classified as Likely Pathogenic.

NM_001142800.2(EYS):c.2626_2641+14del

Gene: EYS (EGF-like photoreceptor maintenance factor; minus strand). Cytogenetic location: 6q12.
Variant type: Deletion.
Coding change: c.2626_2641+14del on transcript NM_001142800.2 (MANE Select); coding-DNA position 2626 through 14 bases into the intron after coding-DNA position 2641, 30 bases deleted (TGTATTTGTAGAGAAGGTAAGAGCTAATAT).
Molecular consequence: splice donor variant.
Genome position (GRCh38, 1-based): chr6:64,912,470-64,912,499, ATATTAGCTCTTACCTTCTCTACAAATACA deleted on the plus strand (TGTATTTGTAGAGAAGGTAAGAGCTAATAT on the coding strand, the reverse complement: EYS is on the minus strand); deleting any 30 consecutive bases within chr6:64,912,470-64,912,501 gives the same sequence; the c. name uses the placement nearest the transcript's 3' end. VCF-style (leftmost placement, unchanged base first): chr6-64912469-CATATTAGCTCTTACCTTCTCTACAAATACA-C. GRCh37 (hg19) VCF-style: chr6-65622362-CATATTAGCTCTTACCTTCTCTACAAATACA-C.
Other names: c.2626_2641+14del (NM_001292009.2).
Identifiers: ClinVar variation 4814623 (VCV004814623.1).